The following is an entry in ClinVar:

NM_000391.4(TPP1):c.1217A>G (p.Tyr406Cys)

Gene: TPP1 (tripeptidyl peptidase 1; minus strand). Cytogenetic location: 11p15.4.
Variant type: single nucleotide variant.
Coding change: c.1217A>G on transcript NM_000391.4 (MANE Select); coding-DNA position 1217, A replaced by G.
Protein change: p.Tyr406Cys; replaces tyrosine 406 with cysteine.
Molecular consequence: missense variant.
Genome position (GRCh38, 1-based): chr11:6,615,491, T>C on the plus strand (A>G on the coding strand, the complement: TPP1 is on the minus strand). VCF-style: chr11-6615491-T-C. GRCh37 (hg19) VCF-style: chr11-6636722-T-C.
Other names: p.Y406C:TAT>TGT; short protein forms Y406C.
Identifiers: ClinVar variation 207589 (VCV000207589.9), dbSNP rs780670020, ClinGen allele CA319204.

ClinVar aggregate classification (germline): Uncertain significance. Review status: criteria provided, multiple submitters, no conflicts (2 of 4 stars). 4 submissions from 4 submitters: Uncertain significance (3). 1 of the submissions does not count toward it. Last evaluated 2024-08-15.

Conditions:
Neuronal ceroid lipofuscinosis 2. Also called: TPP1-Related Neuronal Ceroid-Lipofuscinosis; JANSKY-BIELSCHOWSKY DISEASE NEURONAL CEROID LIPOFUSCINOSIS, LATE INFANTILE. Identifiers: Orphanet 168491, Orphanet 228349, Orphanet 79264, MedGen C1876161, MONDO:0008769, OMIM 204500.

Allele frequency attached by ClinVar (database versions not stated): gnomAD 0.00003; TOPMed 0.00004.

Submissions (4):

Blueprint Genetics
Classification: Uncertain significance. Last evaluated: 2024-08-15. Review status: criteria provided, single submitter. Criteria: ACMG Guidelines, 2015. Collection method: clinical testing. Allele origin: germline.

Labcorp Genetics (formerly Invitae), Labcorp
Classification: Uncertain significance. Last evaluated: 2022-07-05. Review status: criteria provided, single submitter. Criteria: Invitae Variant Classification Sherloc (09022015). Collection method: clinical testing. Allele origin: germline.
Comment: This sequence change replaces tyrosine, which is neutral and polar, with cysteine, which is neutral and slightly polar, at codon 406 of the TPP1 protein (p.Tyr406Cys). This variant is present in population databases (rs780670020, gnomAD 0.02%). This variant has not been reported in the literature in individuals affected with TPP1-related conditions. ClinVar contains an entry for this variant (Variation ID: 207589). Advanced modeling of protein sequence and biophysical properties (such as structural, functional, and spatial information, amino acid conservation, physicochemical variation, residue mobility, and thermodynamic stability) performed at Invitae indicates that this missense variant is expected to disrupt TPP1 protein function. In summary, the available evidence is currently insufficient to determine the role of this variant in disease. Therefore, it has been classified as a Variant of Uncertain Significance.

GeneDx
Classification: Uncertain significance. Last evaluated: 2018-09-11. Review status: criteria provided, single submitter. Criteria: GeneDx Variant Classification (06012015). Collection method: clinical testing. Allele origin: germline. Affected: yes.
Comment: A variant of uncertain significance has been identified in the TPP1 gene. The Y406C variant has not been published as a pathogenic variant, nor has it been reported as a benign variant to our knowledge. It was not observed in approximately 6,500 individuals of European and African American ancestry in the NHLBI Exome Sequencing Project, indicating it is not a common benign variant in these populations. The Y406C variant is a non-conservative amino acid substitution, which is likely to impact secondary protein structure as these residues differ in polarity, charge, size and/or other properties. This substitution occurs at a position that is conserved across species, and in silico analysis predicts this variant is probably damaging to the protein structure/function. Based on the currently available information, it is unclear whether this variant is a pathogenic variant or a rare benign variant.

Natera, Inc.
Classification: Uncertain significance for Neuronal ceroid lipofuscinosis 2. Last evaluated: 2020-09-16. Review status: no assertion criteria provided. Collection method: clinical testing. Allele origin: germline. Not counted in ClinVar's aggregate classification.